The following is an entry in ClinVar:

NM_003327.4(TNFRSF4):c.485C>G (p.Ser162Trp)

Gene: TNFRSF4 (TNF receptor superfamily member 4; minus strand). Cytogenetic location: 1p36.33.
Variant type: single nucleotide variant.
Coding change: c.485C>G on transcript NM_003327.4 (MANE Select); coding-DNA position 485, C replaced by G.
Protein change: p.Ser162Trp; replaces serine 162 with tryptophan.
Molecular consequence: missense variant.
Genome position (GRCh38, 1-based): chr1:1,212,091, G>C on the plus strand (C>G on the coding strand, the complement: TNFRSF4 is on the minus strand). VCF-style: chr1-1212091-G-C. GRCh37 (hg19) VCF-style: chr1-1147471-G-C.
Other names: c.485C>G, p.Ser162Trp (NM_001410709.1); c.485C>G (NM_003327.3); short protein forms S162W.
Identifiers: ClinVar variation 1897162 (VCV001897162.6), dbSNP rs372412045, ClinGen allele CA512445.
Genomic context (GRCh38, chr1:1,212,091, plus strand): 5'-GGGCCCTGGGTCTCCTGGGGCTGCGTGGCTGGGGGGTCCCTGTCCTCACAGATTGCGTCC[G>C]AGCTATTGCTGGCCGGCTGCAGGGTGTGCTTCCCAGCCAAGGTGCAGCTGTTGGGGAACA-3'
Protein context (NP_003318.1, residues 152-172): KHTLQPASNS[Ser162Trp]DAICEDRDPP

ClinVar aggregate classification (germline): Uncertain significance. Review status: criteria provided, multiple submitters, no conflicts (2 of 4 stars). 2 submissions from 2 submitters: Uncertain significance (2). Last evaluated 2024-06-26.

Conditions:
Combined immunodeficiency due to OX40 deficiency. Also called: OX40 DEFICIENCY; Immunodeficiency 16. Identifiers: Orphanet 431149, MedGen C3810053, MONDO:0014268, OMIM 615593.

Submissions (2):

Ambry Genetics
Classification: Uncertain significance. Last evaluated: 2024-06-26. Review status: criteria provided, single submitter. Criteria: Ambry Variant Classification Scheme 2023. Collection method: clinical testing. Allele origin: germline.

Labcorp Genetics (formerly Invitae), Labcorp
Classification: Uncertain significance for Combined immunodeficiency due to OX40 deficiency. Last evaluated: 2022-04-13. Review status: criteria provided, single submitter. Criteria: Invitae Variant Classification Sherloc (09022015). Collection method: clinical testing. Allele origin: germline.
Comment: In summary, the available evidence is currently insufficient to determine the role of this variant in disease. Therefore, it has been classified as a Variant of Uncertain Significance. Algorithms developed to predict the effect of missense changes on protein structure and function are either unavailable or do not agree on the potential impact of this missense change (SIFT: "Deleterious"; PolyPhen-2: "Benign"; Align-GVGD: "Class C0"). This variant has not been reported in the literature in individuals affected with TNFRSF4-related conditions. This variant is present in population databases (rs372412045, gnomAD 0.0009%). This sequence change replaces serine, which is neutral and polar, with tryptophan, which is neutral and slightly polar, at codon 162 of the TNFRSF4 protein (p.Ser162Trp).